The following is an entry in ClinVar:

NM_006348.5(COG5):c.1165T>C (p.Tyr389His)

Gene: COG5 (component of oligomeric golgi complex 5; minus strand). Cytogenetic location: 7q22.3.
Variant type: single nucleotide variant.
Coding change: c.1165T>C on transcript NM_006348.5 (MANE Select); coding-DNA position 1165, T replaced by C.
Protein change: p.Tyr389His; replaces tyrosine 389 with histidine.
Molecular consequence: missense variant.
Genome position (GRCh38, 1-based): chr7:107,298,290, A>G on the plus strand (T>C on the coding strand, the complement: COG5 is on the minus strand). VCF-style: chr7-107298290-A-G. GRCh37 (hg19) VCF-style: chr7-106938735-A-G.
Other names: c.1165T>C, p.Tyr389His (NM_001161520.2, NM_001379511.1, NM_001379512.1 and 3 more transcripts); c.595T>C, p.Tyr199His (NM_001379515.1); c.451T>C, p.Tyr151His (NM_001379516.1); short protein forms Y151H, Y199H, Y389H.
Identifiers: ClinVar variation 2126040 (VCV002126040.4), dbSNP rs1311216125, ClinGen allele CA368938770.
Genomic context (GRCh38, chr7:107,298,290, plus strand): 5'-CATTAAAATTCCCTTGGATATGCTGACTGTATTGTTGAAGACGCTTCCATAAGTCATTAT[A>G]AAGACGTAATAATTTAGGGTATTCTCCTTCAAATGCCTGCTTCAAAAACATCGAAGCTGC-3'
Protein context (NP_006339.4, residues 379-399): EGEYPKLLRL[Tyr389His]NDLWKRLQQY

ClinVar aggregate classification (germline): Uncertain significance (1 of 4 stars; one submission).

Conditions:
COG5-congenital disorder of glycosylation. Also called: CDG IIi; CONGENITAL DISORDER OF GLYCOSYLATION, TYPE IIi; COG5-CDG. Identifiers: Orphanet 263487, MedGen C3150876, MONDO:0013325, OMIM 613612.

Allele frequency attached by ClinVar (database versions not stated): gnomAD exomes below 0.00001.
gnomAD v4.1: 1 of 1,613,718 alleles (0.000062%); highest among the groups gnomAD compares: Admixed American, 0.0017%; no homozygotes.

Submission:

Labcorp Genetics (formerly Invitae), Labcorp
Classification: Uncertain significance for COG5-congenital disorder of glycosylation. Last evaluated: 2022-07-09. Review status: criteria provided, single submitter. Criteria: Invitae Variant Classification Sherloc (09022015). Collection method: clinical testing. Allele origin: germline.
Comment: In summary, the available evidence is currently insufficient to determine the role of this variant in disease. Therefore, it has been classified as a Variant of Uncertain Significance. Algorithms developed to predict the effect of missense changes on protein structure and function are either unavailable or do not agree on the potential impact of this missense change (SIFT: "Tolerated"; PolyPhen-2: "Possibly Damaging"; Align-GVGD: "Class C0"). This variant has not been reported in the literature in individuals affected with COG5-related conditions. This variant is present in population databases (no rsID available, gnomAD 0.003%). This sequence change replaces tyrosine, which is neutral and polar, with histidine, which is basic and polar, at codon 420 of the COG5 protein (p.Tyr420His).